The following is an entry in ClinVar:

ClinVar aggregate classification (germline): Uncertain significance (1 of 4 stars; one submission).

Allele frequency attached by ClinVar (database versions not stated): gnomAD exomes below 0.00001 and 0.00003; gnomAD 0.00006; TOPMed 0.00007; ExAC 0.00009; ESP Exome Variant Server 0.00016.
gnomAD v4.1: 14 of 1,584,030 alleles (0.00088%); highest among the groups gnomAD compares: African/African-American, 0.019%; no homozygotes.

Submission:

Labcorp Genetics (formerly Invitae), Labcorp
Classification: Uncertain significance. Last evaluated: 2022-08-23. Review status: criteria provided, single submitter. Criteria: Invitae Variant Classification Sherloc (09022015). Collection method: clinical testing. Allele origin: germline.
Comment: Algorithms developed to predict the effect of missense changes on protein structure and function are either unavailable or do not agree on the potential impact of this missense change (SIFT: "Deleterious"; PolyPhen-2: "Probably Damaging"; Align-GVGD: "Class C0"). In summary, the available evidence is currently insufficient to determine the role of this variant in disease. Therefore, it has been classified as a Variant of Uncertain Significance. ClinVar contains an entry for this variant (Variation ID: 1035617). This variant has not been reported in the literature in individuals affected with KIAA1549-related conditions. This variant is present in population databases (rs369732459, gnomAD 0.03%). This sequence change replaces proline, which is neutral and non-polar, with threonine, which is neutral and polar, at codon 1837 of the KIAA1549 protein (p.Pro1837Thr).

NM_001164665.2(KIAA1549):c.5509C>A (p.Pro1837Thr)

Gene: KIAA1549 (KIAA1549; minus strand). Cytogenetic location: 7q34.
Variant type: single nucleotide variant.
Coding change: c.5509C>A on transcript NM_001164665.2 (MANE Select); coding-DNA position 5509, C replaced by A.
Protein change: p.Pro1837Thr; replaces proline 1837 with threonine.
Molecular consequence: missense variant.
Genome position (GRCh38, 1-based): chr7:138,840,222, G>T on the plus strand (C>A on the coding strand, the complement: KIAA1549 is on the minus strand). VCF-style: chr7-138840222-G-T. GRCh37 (hg19) VCF-style: chr7-138524967-G-T.
Other names: c.5509C>A, p.Pro1837Thr (NM_020910.3); short protein forms P1837T.
Identifiers: ClinVar variation 1035617 (VCV001035617.7), dbSNP rs369732459, ClinGen allele CA4505535.